The following is an entry in ClinVar:

ClinVar aggregate classification (germline): Uncertain significance (1 of 4 stars; one submission).

Conditions:
Atrioventricular septal defect 5 (AVSD5). Identifiers: MedGen C3280939, MONDO:0013769, OMIM 614474.

Allele frequency attached by ClinVar (database versions not stated): gnomAD 0.00001; ExAC 0.00002.

Submission:

Labcorp Genetics (formerly Invitae), Labcorp
Classification: Uncertain significance for Atrioventricular septal defect 5. Last evaluated: 2022-02-19. Review status: criteria provided, single submitter. Criteria: Invitae Variant Classification Sherloc (09022015). Collection method: clinical testing. Allele origin: germline.
Comment: This sequence change replaces glutamic acid, which is acidic and polar, with glycine, which is neutral and non-polar, at codon 142 of the GATA6 protein (p.Glu142Gly). This variant is present in population databases (rs753842865, gnomAD 0.02%). In summary, the available evidence is currently insufficient to determine the role of this variant in disease. Therefore, it has been classified as a Variant of Uncertain Significance. Algorithms developed to predict the effect of missense changes on protein structure and function (SIFT, PolyPhen-2, Align-GVGD) all suggest that this variant is likely to be tolerated. This variant has not been reported in the literature in individuals affected with GATA6-related conditions.

NM_005257.6(GATA6):c.425A>G (p.Glu142Gly)

Gene: GATA6 (GATA binding protein 6; plus strand). Cytogenetic location: 18q11.2.
Variant type: single nucleotide variant.
Coding change: c.425A>G on transcript NM_005257.6 (MANE Select); coding-DNA position 425, A replaced by G.
Protein change: p.Glu142Gly; replaces glutamic acid 142 with glycine.
Molecular consequence: missense variant.
Genome position (GRCh38, 1-based): chr18:22,171,569, A>G. VCF-style: chr18-22171569-A-G. GRCh37 (hg19) VCF-style: chr18-19751530-A-G.
Other names: short protein forms E142G.
Identifiers: ClinVar variation 2049805 (VCV002049805.4), dbSNP rs753842865, ClinGen allele CA8908884.